The following is an entry in ClinVar:

ClinVar aggregate classification (germline): Uncertain significance (1 of 4 stars; one submission).

Conditions:
Hereditary spastic paraplegia 49 (HSAN9). Also called: Spastic paraplegia 49, autosomal recessive; TECPR2-Related Hereditary Sensory and Autonomic Neuropathy with Intellectual Disability; NEUROPATHY, HEREDITARY SENSORY AND AUTONOMIC, TYPE IX, WITH DEVELOPMENTAL DELAY. Identifiers: Orphanet 320385, MedGen C5190860, MONDO:0014016, OMIM 615031.

Allele frequency attached by ClinVar (database versions not stated): gnomAD exomes below 0.00001; gnomAD 0.00001.
gnomAD v4.1: 4 of 1,613,776 alleles (0.00025%); highest among the groups gnomAD compares: Admixed American, 0.0017%; no homozygotes.

Submission:

Labcorp Genetics (formerly Invitae), Labcorp
Classification: Uncertain significance for Hereditary spastic paraplegia 49. Last evaluated: 2021-08-28. Review status: criteria provided, single submitter. Criteria: Invitae Variant Classification Sherloc (09022015). Collection method: clinical testing. Allele origin: germline.
Comment: This sequence change replaces serine with asparagine at codon 1268 of the TECPR2 protein (p.Ser1268Asn). The serine residue is weakly conserved and there is a small physicochemical difference between serine and asparagine. This variant is not present in population databases (ExAC no frequency). This variant has not been reported in the literature in individuals affected with TECPR2-related conditions. Algorithms developed to predict the effect of missense changes on protein structure and function output the following: SIFT: "Tolerated"; PolyPhen-2: "Benign"; Align-GVGD: "Class C0". The asparagine amino acid residue is found in multiple mammalian species, which suggests that this missense change does not adversely affect protein function. In summary, the available evidence is currently insufficient to determine the role of this variant in disease. Therefore, it has been classified as a Variant of Uncertain Significance.

NM_014844.5(TECPR2):c.3803G>A (p.Ser1268Asn)

Gene: TECPR2 (tectonin beta-propeller repeat containing 2; plus strand). Cytogenetic location: 14q32.31.
Variant type: single nucleotide variant.
Coding change: c.3803G>A on transcript NM_014844.5 (MANE Select); coding-DNA position 3803, G replaced by A.
Protein change: p.Ser1268Asn; replaces serine 1268 with asparagine.
Molecular consequence: missense variant.
Genome position (GRCh38, 1-based): chr14:102,496,992, G>A. VCF-style: chr14-102496992-G-A. GRCh37 (hg19) VCF-style: chr14-102963329-G-A.
Other names: short protein forms S1268N.
Identifiers: ClinVar variation 863265 (VCV000863265.7), dbSNP rs1891298626, ClinGen allele CA391056972.
Genomic context (GRCh38, chr14:102,496,992, plus strand): 5'-TTGTCACCCAACTCCTGCCTTCCCTGAAAGTCCCTTCCCGCTTCCAGCCCGCCGGGGTCA[G>A]CTTGGTCAGCGTCCATTCCAGCCCCAACGACCAGATGCTGTGGGTGCTTGACAGCAGGTG-3'
Protein context (NP_055659.2, residues 1258-1278): IEPPVQPAGV[Ser1268Asn]LVSVHSSPND